The following is an entry in ClinVar:

ClinVar aggregate classification (germline): Uncertain significance (1 of 4 stars; one submission).

Conditions:
RPGRIP1L-related disorder. Also called: RPGRIP1L-related condition; RPGRIP1L-related disorders. Identifiers: MedGen CN239416.

Submission:

PreventionGenetics, part of Exact Sciences
Classification: Uncertain significance for RPGRIP1L-related condition. Last evaluated: 2025-03-18. Review status: criteria provided, single submitter. Criteria: ACMG Guidelines, 2015. Collection method: clinical testing. Allele origin: germline.
Comment: The RPGRIP1L c.2959-6_2959-2del5 variant is predicted to result in a deletion affecting a canonical splice site. To our knowledge, this variant has not been reported in the literature or in a large population database (gnomAD), indicating this variant is rare. Variants affecting acceptor splice site are expected to be pathogenic. However, exon 20 is not part of all transcripts and has lower expression in many tissues as compared to other exons. For example, there is a complete loss of exon 20 expression in whole blood (gnomAD). Although we suspect that this variant may be pathogenic, at this time, the clinical significance of this variant is uncertain due to the absence of conclusive functional and genetic evidence.

NM_015272.5(RPGRIP1L):c.2959-6_2959-2del

Gene: RPGRIP1L (RPGRIP1 like; minus strand). Cytogenetic location: 16q12.2.
Variant type: Deletion.
Coding change: c.2959-6_2959-2del on transcript NM_015272.5 (MANE Select); 6 bases into the intron before coding-DNA position 2959 through the canonical splice acceptor site of the intron before coding-DNA position 2959, 5 bases deleted (TATAA; older notation c.2959-6_2959-2delTATAA).
Molecular consequence: splice acceptor variant. On other transcripts: intron variant (2).
Genome position (GRCh38, 1-based): chr16:53,638,413-53,638,417, TTATA deleted on the plus strand (TATAA on the coding strand, the reverse complement: RPGRIP1L is on the minus strand); deleting any 5 consecutive bases within chr16:53,638,413-53,638,420 gives the same sequence; the c. name uses the placement nearest the transcript's 3' end. VCF-style (leftmost placement, unchanged base first): chr16-53638412-CTTATA-C. GRCh37 (hg19) VCF-style: chr16-53672324-CTTATA-C.
Other names: c.2959-563_2959-559del (NM_001127897.4, NM_001330538.2); c.2959-6_2959-2del (NM_001308334.3).
Identifiers: ClinVar variation 4982177 (VCV004982177.1).